The following is an entry in ClinVar:

NM_152564.5(VPS13B):c.3482T>G (p.Phe1161Cys)

Gene: VPS13B (vacuolar protein sorting 13 homolog B; plus strand). Cytogenetic location: 8q22.2.
Variant type: single nucleotide variant.
Coding change: c.3482T>G on transcript NM_152564.5 (MANE Select); coding-DNA position 3482, T replaced by G.
Protein change: p.Phe1161Cys; replaces phenylalanine 1161 with cysteine.
Molecular consequence: missense variant.
Genome position (GRCh38, 1-based): chr8:99,467,450, T>G. VCF-style: chr8-99467450-T-G. GRCh37 (hg19) VCF-style: chr8-100479678-T-G.
Other names: c.3482T>G, p.Phe1161Cys (NM_017890.5); short protein forms F1161C.
Identifiers: ClinVar variation 578348 (VCV000578348.5), dbSNP rs1563746308, ClinGen allele CA371865980.
Genomic context (GRCh38, chr8:99,467,450, plus strand): 5'-ATTCCCTTTTATCCCCTATATCAGGTGATGCTTTTCCTTGGACGATCAGCTTGCATAATT[T>G]CAGCATATATACCCTTCTTGGAAAACAAGTGACACTTTGCCTAGTGGAACCTATGGGTTG-3'
Protein context (NP_689777.3, residues 1151-1171): AFPWTISLHN[Phe1161Cys]SIYTLLGKQV

ClinVar aggregate classification (germline): Uncertain significance (1 of 4 stars; one submission).

Conditions:
Cohen syndrome (COH1). Also called: Cutis verticis gyrata, retinitis pigmentosa, and sensorineural deafness; PEPPER SYNDROME. Identifiers: Orphanet 193, MedGen C0265223, MONDO:0008999, OMIM 216550.

Allele frequency attached by ClinVar (database versions not stated): gnomAD exomes below 0.00001.
gnomAD v4.1: 4 of 1,613,798 alleles (0.00025%); highest among the groups gnomAD compares: Non-Finnish European, 0.00025%; no homozygotes.

Submission:

Labcorp Genetics (formerly Invitae), Labcorp
Classification: Uncertain significance for Cohen syndrome. Last evaluated: 2022-06-04. Review status: criteria provided, single submitter. Criteria: Invitae Variant Classification Sherloc (09022015). Collection method: clinical testing. Allele origin: germline.
Comment: This variant has not been reported in the literature in individuals affected with VPS13B-related conditions. In summary, the available evidence is currently insufficient to determine the role of this variant in disease. Therefore, it has been classified as a Variant of Uncertain Significance. Algorithms developed to predict the effect of missense changes on protein structure and function are either unavailable or do not agree on the potential impact of this missense change (SIFT: "Not Available"; PolyPhen-2: "Probably Damaging"; Align-GVGD: "Not Available"). ClinVar contains an entry for this variant (Variation ID: 578348). This variant is not present in population databases (gnomAD no frequency). This sequence change replaces phenylalanine, which is neutral and non-polar, with cysteine, which is neutral and slightly polar, at codon 1161 of the VPS13B protein (p.Phe1161Cys).